The following is an entry in ClinVar:

NM_001792.5(CDH2):c.2021G>A (p.Gly674Asp)

Gene: CDH2 (cadherin 2; minus strand). Cytogenetic location: 18q12.1.
Variant type: single nucleotide variant.
Coding change: c.2021G>A on transcript NM_001792.5 (MANE Select); coding-DNA position 2021, G replaced by A.
Protein change: p.Gly674Asp; replaces glycine 674 with aspartic acid.
Molecular consequence: missense variant.
Genome position (GRCh38, 1-based): chr18:27,985,188, C>T on the plus strand (G>A on the coding strand, the complement: CDH2 is on the minus strand). VCF-style: chr18-27985188-C-T. GRCh37 (hg19) VCF-style: chr18-25565152-C-T.
Other names: c.1928G>A, p.Gly643Asp (NM_001308176.2); short protein forms G643D, G674D.
Identifiers: ClinVar variation 3221787 (VCV003221787.2), dbSNP rs1273934223, ClinGen allele CA402107036.

ClinVar aggregate classification (germline): Uncertain significance. Review status: criteria provided, multiple submitters, no conflicts (2 of 4 stars). 2 submissions from 2 submitters: Uncertain significance (2). Last evaluated 2024-03-01.

Conditions:
Inborn genetic diseases. Identifiers: MedGen C0950123, MeSH D030342.

Allele frequency attached by ClinVar (database versions not stated): gnomAD exomes below 0.00001; TOPMed 0.00001.
gnomAD v4.1: 7 of 1,613,016 alleles (0.00043%); highest among the groups gnomAD compares: Non-Finnish European, 0.00025%; no homozygotes.

Submissions (2):

Blueprint Genetics
Classification: Uncertain significance. Last evaluated: 2024-03-01. Review status: criteria provided, single submitter. Criteria: ACMG Guidelines, 2015. Collection method: clinical testing. Allele origin: germline.

Ambry Genetics
Classification: Uncertain significance for Inborn genetic diseases. Last evaluated: 2023-12-08. Review status: criteria provided, single submitter. Criteria: Ambry Variant Classification Scheme 2023. Collection method: clinical testing. Allele origin: germline.
Comment: The p.G674D variant (also known as c.2021G>A), located in coding exon 13 of the CDH2 gene, results from a G to A substitution at nucleotide position 2021. The glycine at codon 674 is replaced by aspartic acid, an amino acid with similar properties. This amino acid position is conserved. In addition, this alteration is predicted to be deleterious by in silico analysis. Since supporting evidence is limited at this time, the clinical significance of this alteration remains unclear.